The following is an entry in ClinVar:

ClinVar aggregate classification (germline): Uncertain significance. Review status: criteria provided, multiple submitters, no conflicts (2 of 4 stars). 6 submissions from 6 submitters: Uncertain significance (5). 1 of the submissions does not count toward it. Last evaluated 2025-01-02.

Conditions:
Polycystic kidney disease 4 (PKD4). Also called: POLYCYSTIC KIDNEY AND HEPATIC DISEASE 1; POLYCYSTIC KIDNEY DISEASE, INFANTILE, TYPE I; PKD3; POLYCYSTIC KIDNEY DISEASE 4 WITH OR WITHOUT POLYCYSTIC LIVER DISEASE; Autosomal Recessive Polycystic Kidney Disease – PKHD1. Identifiers: MedGen C4540575, MONDO:0033004, OMIM 263200.
Inborn genetic diseases. Identifiers: MedGen C0950123, MeSH D030342.
Autosomal recessive polycystic kidney disease (ARPKD). Also called: AR polycystic kidney disease. Identifiers: Orphanet 731, Orphanet 8378, MedGen C0085548, MeSH D017044, MONDO:0009889.
PKHD1-related disorder. Also called: PKHD1-related condition.

Allele frequency attached by ClinVar (database versions not stated): ExAC 0.00002; gnomAD 0.00003; TOPMed 0.00004.
gnomAD v4.1: 41 of 1,613,720 alleles (0.0025%); highest among the groups gnomAD compares: East Asian, 0.0067%; no homozygotes.

Submissions (6):

GeneDx
Classification: Uncertain significance. Last evaluated: 2025-01-02. Review status: criteria provided, single submitter. Criteria: GeneDx Variant Classification Process June 2021. Collection method: clinical testing. Allele origin: germline. Affected: yes.
Comment: Not observed at significant frequency in large population cohorts (gnomAD); In silico analysis indicates that this missense variant does not alter protein structure/function; Has not been previously published as pathogenic or benign to our knowledge

Ambry Genetics
Classification: Uncertain significance for Inborn genetic diseases. Last evaluated: 2025-01-01. Review status: criteria provided, single submitter. Criteria: Ambry Variant Classification Scheme 2023. Collection method: clinical testing. Allele origin: germline.

Mayo Clinic Laboratories, Mayo Clinic
Classification: Uncertain significance. Last evaluated: 2024-05-08. Review status: criteria provided, single submitter. Criteria: ACMG Guidelines, 2015. Collection method: clinical testing. Allele origin: germline. Observed: 2 variant alleles.
Comment: BP4, PM2

Fulgent Genetics
Classification: Uncertain significance for Polycystic kidney disease 4. Last evaluated: 2024-05-02. Review status: criteria provided, single submitter. Criteria: ACMG Guidelines, 2015. Collection method: clinical testing. Allele origin: germline.

Labcorp Genetics (formerly Invitae), Labcorp
Classification: Uncertain significance for Autosomal recessive polycystic kidney disease. Last evaluated: 2021-10-20. Review status: criteria provided, single submitter. Criteria: Invitae Variant Classification Sherloc (09022015). Collection method: clinical testing. Allele origin: germline.
Comment: This sequence change replaces methionine with valine at codon 3653 of the PKHD1 protein (p.Met3653Val). The methionine residue is weakly conserved and there is a small physicochemical difference between methionine and valine. This variant is present in population databases (rs373185996, ExAC 0.01%). This variant has not been reported in the literature in individuals affected with PKHD1-related conditions. Algorithms developed to predict the effect of missense changes on protein structure and function (SIFT, PolyPhen-2, Align-GVGD) all suggest that this variant is likely to be tolerated. Algorithms developed to predict the effect of sequence changes on RNA splicing suggest that this variant may create or strengthen a splice site. In summary, the available evidence is currently insufficient to determine the role of this variant in disease. Therefore, it has been classified as a Variant of Uncertain Significance.

PreventionGenetics, part of Exact Sciences
Classification: Uncertain significance for PKHD1-related condition. Last evaluated: 2023-12-07. Review status: no assertion criteria provided. Collection method: clinical testing. Allele origin: germline. Not counted in ClinVar's aggregate classification.
Comment: The PKHD1 c.10957A>G variant is predicted to result in the amino acid substitution p.Met3653Val. To our knowledge, this variant has not been reported in the literature. This variant is reported in 0.011% of alleles in individuals of East Asian descent in gnomAD. At this time, the clinical significance of this variant is uncertain due to the absence of conclusive functional and genetic evidence.

NM_138694.4(PKHD1):c.10957A>G (p.Met3653Val)

Gene: PKHD1 (PKHD1 ciliary IPT domain containing fibrocystin/polyductin; minus strand). Cytogenetic location: 6p12.3.
Variant type: single nucleotide variant.
Coding change: c.10957A>G on transcript NM_138694.4 (MANE Select); coding-DNA position 10957, A replaced by G.
Protein change: p.Met3653Val; replaces methionine 3653 with valine.
Molecular consequence: missense variant.
Genome position (GRCh38, 1-based): chr6:51,659,169, T>C on the plus strand (A>G on the coding strand, the complement: PKHD1 is on the minus strand). VCF-style: chr6-51659169-T-C. GRCh37 (hg19) VCF-style: chr6-51523967-T-C.
Other names: p.Met3653Val; c.10957A>G (NM_138694.3); short protein forms M3653V.
Identifiers: ClinVar variation 2065726 (VCV002065726.7), dbSNP rs373185996, ClinGen allele CA3850982.